The following is an entry in ClinVar:

NM_001110556.2(FLNA):c.6696C>T (p.Pro2232=)

Gene: FLNA (filamin A; minus strand). Cytogenetic location: Xq28.
Variant type: single nucleotide variant.
Coding change: c.6696C>T on transcript NM_001110556.2 (MANE Select); coding-DNA position 6696, C replaced by T.
Protein change: p.Pro2232=; no amino-acid change (proline 2232 retained).
Molecular consequence: synonymous variant.
Genome position (GRCh38, 1-based): chrX:154,352,254, G>A on the plus strand (C>T on the coding strand, the complement: FLNA is on the minus strand). VCF-style: chrX-154352254-G-A. GRCh37 (hg19) VCF-style: chrX-153580622-G-A.
Other names: c.6672C>T, p.Pro2224= (NM_001456.4).
Identifiers: ClinVar variation 4996441 (VCV004996441.1).

ClinVar aggregate classification (germline): Likely benign (1 of 4 stars; one submission).

Conditions:
FLNA-related disorder.

gnomAD v4.1: 3 of 1,211,666 alleles (0.00025%); highest among the groups gnomAD compares: Non-Finnish European, 0.00011%; no homozygotes.

Submission:

PreventionGenetics, part of Exact Sciences
Classification: Likely benign for FLNA-related condition. Last evaluated: 2026-04-06. Review status: criteria provided, single submitter. Criteria: ACMG Guidelines, 2015. Collection method: clinical testing. Allele origin: germline.
Comment: This variant is classified as likely benign based on ACMG/AMP sequence variant interpretation guidelines (Richards et al. 2015 PMID: 25741868, with internal and published modifications).